The following is an entry in ClinVar:

NM_000059.4(BRCA2):c.2332G>C (p.Val778Leu)

Gene: BRCA2 (BRCA2 DNA repair associated; plus strand). Cytogenetic location: 13q13.1.
Variant type: single nucleotide variant.
Coding change: c.2332G>C on transcript NM_000059.4 (MANE Select); coding-DNA position 2332, G replaced by C.
Protein change: p.Val778Leu; replaces valine 778 with leucine.
Molecular consequence: missense variant.
Genome position (GRCh38, 1-based): chr13:32,336,687, G>C. VCF-style: chr13-32336687-G-C. GRCh37 (hg19) VCF-style: chr13-32910824-G-C.
Other names: c.2332G>C, p.Val778Leu (NM_001406719.1, NM_001406720.1); short protein forms V778L.
Identifiers: ClinVar variation 1789741 (VCV001789741.4), dbSNP rs587779360, ClinGen allele CA387771543.

ClinVar aggregate classification (germline): Conflicting classifications of pathogenicity. Review status: criteria provided, conflicting classifications (1 of 4 stars). 2 submissions from 2 submitters: Uncertain significance (1); Likely benign (1). Last evaluated 2023-03-23.

Conditions:
Hereditary cancer-predisposing syndrome. Also called: Hereditary Cancer Syndrome; Hereditary neoplastic syndrome; Tumor predisposition; Neoplastic Syndromes, Hereditary. Identifiers: Orphanet 140162, MedGen C0027672, MeSH D009386, MONDO:0015356.

Submissions (2):

University of Washington Department of Laboratory Medicine, University of Washington
Classification: Likely benign for Hereditary cancer-predisposing syndrome. Last evaluated: 2023-03-23. Review status: criteria provided, single submitter. Criteria: Dines et al. (Genet Med. 2020). Collection method: curation. Allele origin: germline.
Comment: Missense variant in a coldspot region where missense variants are very unlikely to be pathogenic (PMID:31911673).

BRCA2 exon 11 coldspot. Reclassification based on statistical prior probability.

Ambry Genetics
Classification: Uncertain significance for Hereditary cancer-predisposing syndrome. Last evaluated: 2022-03-01. Review status: criteria provided, single submitter. Criteria: Ambry Variant Classification Scheme 2023. Collection method: clinical testing. Allele origin: germline.
Comment: The p.V778L variant (also known as c.2332G>C), located in coding exon 10 of the BRCA2 gene, results from a G to C substitution at nucleotide position 2332. The valine at codon 778 is replaced by leucine, an amino acid with highly similar properties. This amino acid position is conserved. In addition, this alteration is predicted to be tolerated by in silico analysis. Since supporting evidence is limited at this time, the clinical significance of this alteration remains unclear.